The following is an entry in ClinVar:

NM_025137.4(SPG11):c.4984A>G (p.Thr1662Ala)

Gene: SPG11 (SPG11 vesicle trafficking associated, spatacsin; minus strand). Cytogenetic location: 15q21.1.
Variant type: single nucleotide variant.
Coding change: c.4984A>G on transcript NM_025137.4 (MANE Select); coding-DNA position 4984, A replaced by G.
Protein change: p.Thr1662Ala; replaces threonine 1662 with alanine.
Molecular consequence: missense variant.
Genome position (GRCh38, 1-based): chr15:44,585,773, T>C on the plus strand (A>G on the coding strand, the complement: SPG11 is on the minus strand). VCF-style: chr15-44585773-T-C. GRCh37 (hg19) VCF-style: chr15-44877971-T-C.
Other names: p.Thr1662Ala; c.4984A>G, p.Thr1662Ala (NM_001160227.2, NM_001411132.1); short protein forms T1662A.
Identifiers: ClinVar variation 3380273 (VCV003380273.1).

ClinVar aggregate classification (germline): Uncertain significance (1 of 4 stars; one submission).

gnomAD v4.1: 2 of 1,613,984 alleles (0.00012%); highest among the groups gnomAD compares: Non-Finnish European, 0.00017%; no homozygotes.

Submission:

Mayo Clinic Laboratories, Mayo Clinic
Classification: Uncertain significance. Last evaluated: 2023-12-27. Review status: criteria provided, single submitter. Criteria: ACMG Guidelines, 2015. Collection method: clinical testing. Allele origin: germline. Observed: 1 variant allele.
Comment: BP4, PM2_moderate